The following is an entry in ClinVar:

NM_004304.5(ALK):c.2231G>C (p.Gly744Ala)

Gene: ALK (ALK receptor tyrosine kinase; minus strand). Cytogenetic location: 2p23.2.
Variant type: single nucleotide variant.
Coding change: c.2231G>C on transcript NM_004304.5 (MANE Select); coding-DNA position 2231, G replaced by C.
Protein change: p.Gly744Ala; replaces glycine 744 with alanine.
Molecular consequence: missense variant.
Genome position (GRCh38, 1-based): chr2:29,239,804, C>G on the plus strand (G>C on the coding strand, the complement: ALK is on the minus strand). VCF-style: chr2-29239804-C-G. GRCh37 (hg19) VCF-style: chr2-29462670-C-G.
Other names: short protein forms G744A.
Identifiers: ClinVar variation 2602002 (VCV002602002.2), dbSNP rs2148188851, ClinGen allele CA346474720.

ClinVar aggregate classification (germline): Uncertain significance (1 of 4 stars; one submission).

Conditions:
Hereditary cancer-predisposing syndrome. Also called: Tumor predisposition; Hereditary Cancer Syndrome; Hereditary neoplastic syndrome; Neoplastic Syndromes, Hereditary. Identifiers: Orphanet 140162, MedGen C0027672, MeSH D009386, MONDO:0015356.

Allele frequency attached by ClinVar (database versions not stated): gnomAD exomes below 0.00001.
gnomAD v4.1: 5 of 1,613,862 alleles (0.00031%); highest among the groups gnomAD compares: Non-Finnish European, 0.00042%; no homozygotes.

Submission:

Ambry Genetics
Classification: Uncertain significance for Hereditary cancer-predisposing syndrome. Last evaluated: 2023-07-09. Review status: criteria provided, single submitter. Criteria: Ambry Variant Classification Scheme 2023. Collection method: clinical testing. Allele origin: germline.
Comment: The p.G744A variant (also known as c.2231G>C), located in coding exon 13 of the ALK gene, results from a G to C substitution at nucleotide position 2231. The glycine at codon 744 is replaced by alanine, an amino acid with similar properties. This amino acid position is conserved. In addition, the in silico prediction for this alteration is inconclusive. Since supporting evidence is limited at this time, the clinical significance of this alteration remains unclear.